The following is an entry in ClinVar:

ClinVar aggregate classification (germline): Benign/Likely benign. Review status: criteria provided, multiple submitters, no conflicts (2 of 4 stars). 3 submissions from 3 submitters: Benign (1); Likely benign (2). Last evaluated 2025-06-15.

Conditions:
Familial thoracic aortic aneurysm and aortic dissection (TAAD). Also called: Thoracic aortic aneurysms and dissections. Identifiers: Orphanet 91387, MedGen C4707243, MONDO:0019625.
Ehlers-Danlos syndrome, classic type, 1 (EDSCL1). Also called: Ehlers-Danlos syndrome, type 1; EHLERS-DANLOS SYNDROME, GRAVIS TYPE; EHLERS-DANLOS SYNDROME, SEVERE CLASSIC TYPE; EDS I; Ehlers-Danlos Syndrome, Classic Type, COL5A1-Related. Identifiers: MedGen C0268335, MONDO:0019567, OMIM 130000.

Allele frequency attached by ClinVar (database versions not stated): TOPMed 0.00003.
gnomAD v4.1: 36 of 1,613,388 alleles (0.0022%); highest among the groups gnomAD compares: Middle Eastern, 0.033%; no homozygotes.

Submissions (3):

Labcorp Genetics (formerly Invitae), Labcorp
Classification: Benign for Ehlers-Danlos syndrome, classic type, 1. Last evaluated: 2025-06-15. Review status: criteria provided, single submitter. Criteria: Invitae Variant Classification Sherloc (09022015). Collection method: clinical testing. Allele origin: germline.

Women's Health and Genetics/Laboratory Corporation of America, LabCorp
Classification: Likely benign. Last evaluated: 2025-01-27. Review status: criteria provided, single submitter. Criteria: LabCorp Variant Classification Summary - May 2015. Collection method: clinical testing. Allele origin: germline.
Comment: Variant summary: COL5A1 c.1977C>A (p.Asp659Glu) results in a conservative amino acid change in the encoded protein sequence. Four of four in-silico tools predict a benign effect of the variant on protein function. The variant allele was found at a frequency of 2.1e-05 in 1606396 control chromosomes, predominantly at a frequency of 0.00022 within the Latino subpopulation in the gnomAD database (v4.1 dataset). The observed variant frequency within Latino control individuals in the gnomAD database is approximately 7-fold of the estimated maximal expected allele frequency for a pathogenic variant in COL5A1 causing Ehlers-Danlos syndrome, classic type, Ehlers-Danlos syndrome, classic type, 1 phenotype (3.1e-05). To our knowledge, no occurrence of c.1977C>A in individuals affected with Ehlers-Danlos syndrome, classic type, Ehlers-Danlos syndrome, classic type, 1 and no experimental evidence demonstrating its impact on protein function have been reported. ClinVar contains an entry for this variant (Variation ID: 953810). Based on the evidence outlined above, the variant was classified as likely benign.

Ambry Genetics
Classification: Likely benign for Familial thoracic aortic aneurysm and aortic dissection. Last evaluated: 2023-06-08. Review status: criteria provided, single submitter. Criteria: Ambry Variant Classification Scheme 2023. Collection method: clinical testing. Allele origin: germline.

NM_000093.5(COL5A1):c.1977C>A (p.Asp659Glu)

Gene: COL5A1 (collagen type V alpha 1 chain; plus strand). Cytogenetic location: 9q34.3.
Variant type: single nucleotide variant.
Coding change: c.1977C>A on transcript NM_000093.5 (MANE Select); coding-DNA position 1977, C replaced by A.
Protein change: p.Asp659Glu; replaces aspartic acid 659 with glutamic acid.
Molecular consequence: missense variant.
Genome position (GRCh38, 1-based): chr9:134,761,966, C>A. VCF-style: chr9-134761966-C-A. GRCh37 (hg19) VCF-style: chr9-137653812-C-A.
Other names: c.1977C>A (NM_000093.3); c.1977C>A, p.Asp659Glu (NM_001278074.1); short protein forms D659E.
Identifiers: ClinVar variation 953810 (VCV000953810.13), dbSNP rs370766020, ClinGen allele CA5319076.